The following is an entry in ClinVar:

ClinVar aggregate classification (germline): Benign/Likely benign. Review status: criteria provided, multiple submitters, no conflicts (2 of 4 stars). 5 submissions from 5 submitters: Benign (2); Likely benign (2). 1 of the submissions does not count toward it. Last evaluated 2024-11-19.

Conditions:
Spondylocostal dysostosis 2, autosomal recessive (SCDO2). Also called: MESP2-Related Spondylocostal Dysostosis, Autosomal Recessive; Spondylocostal dysostosis type 2. Identifiers: Orphanet 2311, MedGen C1837549, MONDO:0012097, OMIM 608681.

Submissions (5):

Blueprint Genetics
Classification: Likely benign. Last evaluated: 2024-11-19. Review status: criteria provided, single submitter. Criteria: ACMG Guidelines, 2015. Collection method: clinical testing. Allele origin: germline.

CeGaT Center for Human Genetics Tuebingen
Classification: Benign. Last evaluated: 2023-05-01. Review status: criteria provided, single submitter. Criteria: CeGaT Center For Human Genetics Tuebingen Variant Classification Criteria Version 2. Collection method: clinical testing. Allele origin: germline. Affected: yes. Observed: 1 variant allele.
Comment: MESP2: BS1, BS2

Center for Pediatric Genomic Medicine, Children's Mercy Hospital and Clinics
Classification: Likely benign. Last evaluated: 2017-03-10. Review status: criteria provided, single submitter. Criteria: ACMG Guidelines, 2015. Collection method: clinical testing. Allele origin: germline.

PreventionGenetics, part of Exact Sciences
Classification: Benign. Review status: criteria provided, single submitter. Criteria: ACMG Guidelines, 2015. Collection method: clinical testing. Allele origin: germline.

Natera, Inc.
Classification: Benign for Spondylocostal dysostosis type 2. Last evaluated: 2019-09-25. Review status: no assertion criteria provided. Collection method: clinical testing. Allele origin: germline. Not counted in ClinVar's aggregate classification.

NM_001039958.2(MESP2):c.549_584del (p.180_181QG[7])

Gene: MESP2 (mesoderm posterior bHLH transcription factor 2; plus strand). Cytogenetic location: 15q26.1.
Variant type: Deletion.
Coding change: c.549_584del on transcript NM_001039958.2 (MANE Select); coding-DNA positions 549 to 584, 36 bases deleted.
Protein change: p.180_181QG[7].
Molecular consequence: inframe deletion.
Genome position (GRCh38, 1-based): chr15:89,776,906-89,776,941, 36 bases deleted; deleting any 36 consecutive bases within chr15:89,776,892-89,776,941 gives the same sequence; the c. name uses the placement nearest the transcript's 3' end. GRCh37 (hg19): chr15:90,320,137-90,320,172.
Identifiers: ClinVar variation 257242 (VCV000257242.29), dbSNP rs749710849, ClinGen allele CA7730440.